The following is an entry in ClinVar:

NM_000245.4(MET):c.1979C>T (p.Thr660Ile)

Gene: MET (MET proto-oncogene, receptor tyrosine kinase; plus strand). Cytogenetic location: 7q31.2.
Variant type: single nucleotide variant.
Coding change: c.1979C>T on transcript NM_000245.4 (MANE Select); coding-DNA position 1979, C replaced by T.
Protein change: p.Thr660Ile; replaces threonine 660 with isoleucine.
Molecular consequence: missense variant.
Genome position (GRCh38, 1-based): chr7:116,757,651, C>T. VCF-style: chr7-116757651-C-T. GRCh37 (hg19) VCF-style: chr7-116397705-C-T.
Other names: c.1979C>T, p.Thr660Ile (NM_001127500.3, NM_001324401.3); c.689C>T, p.Thr230Ile (NM_001324402.2); short protein forms T230I, T660I.
Identifiers: ClinVar variation 856166 (VCV000856166.13), dbSNP rs1584941563, ClinGen allele CA368979627.
Genomic context (GRCh38, chr7:116,757,651, plus strand): 5'-TTATAAGATGAACAAGTTACTTTGTTTTGTTTTTATCTCCCCTCCAGGATCCTGTAATAA[C>T]AAGTATTTCGCCGAAATACGGTCCTATGGCTGGTGGCACTTTACTTACTTTAACTGGAAA-3'
Protein context (NP_000236.2, residues 650-670): STFSYVDPVI[Thr660Ile]SISPKYGPMA

ClinVar aggregate classification (germline): Uncertain significance. Review status: criteria provided, multiple submitters, no conflicts (2 of 4 stars). 2 submissions from 2 submitters: Uncertain significance (2). Last evaluated 2025-05-27.

Conditions:
Hereditary cancer-predisposing syndrome. Also called: Tumor predisposition; Hereditary neoplastic syndrome; Neoplastic Syndromes, Hereditary; Hereditary Cancer Syndrome. Identifiers: Orphanet 140162, MedGen C0027672, MeSH D009386, MONDO:0015356.
Renal cell carcinoma. Identifiers: Orphanet 217071, MedGen C0007134, MeSH D002292, MONDO:0005086, HP:0005584.

Submissions (2):

Ambry Genetics
Classification: Uncertain significance for Hereditary cancer-predisposing syndrome. Last evaluated: 2025-05-27. Review status: criteria provided, single submitter. Criteria: Ambry Variant Classification Scheme 2023. Collection method: clinical testing. Allele origin: germline.
Comment: The p.T660I variant (also known as c.1979C>T), located in coding exon 7 of the MET gene, results from a C to T substitution at nucleotide position 1979. The threonine at codon 660 is replaced by isoleucine, an amino acid with similar properties. This amino acid position is highly conserved in available vertebrate species. In addition, the in silico prediction for this alteration is inconclusive. Based on the available evidence, the clinical significance of this variant remains unclear.

Labcorp Genetics (formerly Invitae), Labcorp
Classification: Uncertain significance for Renal cell carcinoma. Last evaluated: 2022-01-28. Review status: criteria provided, single submitter. Criteria: Invitae Variant Classification Sherloc (09022015). Collection method: clinical testing. Allele origin: germline.
Comment: This sequence change replaces threonine, which is neutral and polar, with isoleucine, which is neutral and non-polar, at codon 660 of the MET protein (p.Thr660Ile). This variant is not present in population databases (gnomAD no frequency). This variant has not been reported in the literature in individuals affected with MET-related conditions. ClinVar contains an entry for this variant (Variation ID: 856166). Algorithms developed to predict the effect of missense changes on protein structure and function are either unavailable or do not agree on the potential impact of this missense change (SIFT: "Tolerated"; PolyPhen-2: "Possibly Damaging"; Align-GVGD: "Class C0"). In summary, the available evidence is currently insufficient to determine the role of this variant in disease. Therefore, it has been classified as a Variant of Uncertain Significance.